The following is an entry in ClinVar:

ClinVar aggregate classification (germline): Conflicting classifications of pathogenicity. Review status: criteria provided, conflicting classifications (1 of 4 stars). 5 submissions from 5 submitters: Uncertain significance (3); Likely benign (2). Last evaluated 2026-09-24.

Conditions:
TTC21B-related disorder. Also called: TTC21B-related disorders; TTC21B-related condition.
Nephronophthisis 12 (NPHP12). Identifiers: Orphanet 655, MedGen C3151186, MONDO:0013442, OMIM 613820.
Asphyxiating thoracic dystrophy 4 (SRTD4). Also called: SHORT-RIB THORACIC DYSPLASIA 4 WITH OR WITHOUT POLYDACTYLY; SHORT-RIB THORACIC DYSPLASIA 4. Identifiers: Orphanet 474, MedGen C3151185, MONDO:0013441, OMIM 613819.
Inborn genetic diseases. Identifiers: MedGen C0950123, MeSH D030342.
Nephronophthisis. Also called: Juvenile Nephronophthisis. Identifiers: Orphanet 655, MedGen C0687120, MONDO:0019005, HP:0000090.
Jeune thoracic dystrophy. Also called: Jeune syndrome; Infantile thoracic dystrophy; Thoracic pelvic phalangeal dystrophy; Jeune's syndrome; Chondroectodermal dysplasia-like syndrome; Short-rib thoracic dysplasia. Identifiers: Orphanet 474, MedGen C0265275, MONDO:0018770.

Allele frequency attached by ClinVar (database versions not stated): gnomAD exomes 0.00002 and 0.00006; ExAC 0.00007; gnomAD 0.00012; TOPMed 0.00013; ESP Exome Variant Server 0.00015; 1000 Genomes Project 0.00020; 1000 Genomes Project 30x 0.00031.
gnomAD v4.1: 40 of 1,613,890 alleles (0.0025%); highest among the groups gnomAD compares: Middle Eastern, 0.066%; 1 homozygote.

Submissions (5):

PreventionGenetics, part of Exact Sciences
Classification: Uncertain significance for TTC21B-related condition. Last evaluated: 2026-09-24. Review status: criteria provided, single submitter. Criteria: ACMG Guidelines, 2015. Collection method: clinical testing. Allele origin: germline.
Comment: The TTC21B c.3415G>A variant is predicted to result in the amino acid substitution p.Val1139Ile. To our knowledge, this variant has not been reported in the literature. This variant is reported in 0.056% of alleles in individuals of African descent in gnomAD, which may be too common to be an undocumented pathogenic variant. This variant has conflicting classifications in ClinVar ranging from likely benign to uncertain (Variation ID: 1437959). Although we suspect that this variant may be benign, at this time, the clinical significance of this variant is uncertain due to the absence of conclusive functional and genetic evidence.

Labcorp Genetics (formerly Invitae), Labcorp
Classification: Likely benign for Jeune thoracic dystrophy; Nephronophthisis. Last evaluated: 2026-01-05. Review status: criteria provided, single submitter. Criteria: Invitae Variant Classification Sherloc (09022015). Collection method: clinical testing. Allele origin: germline.

Ambry Genetics
Classification: Uncertain significance for Inborn genetic diseases. Last evaluated: 2025-02-03. Review status: criteria provided, single submitter. Criteria: Ambry Variant Classification Scheme 2023. Collection method: clinical testing. Allele origin: germline.

Fulgent Genetics
Classification: Uncertain significance for Asphyxiating thoracic dystrophy 4; Nephronophthisis 12. Last evaluated: 2024-04-20. Review status: criteria provided, single submitter. Criteria: ACMG Guidelines, 2015. Collection method: clinical testing. Allele origin: germline.

Blueprint Genetics
Classification: Likely benign. Last evaluated: 2021-10-07. Review status: criteria provided, single submitter. Criteria: ACMG Guidelines, 2015. Collection method: clinical testing. Allele origin: germline.

NM_024753.5(TTC21B):c.3415G>A (p.Val1139Ile)

Gene: TTC21B (tetratricopeptide repeat domain 21B; minus strand). Cytogenetic location: 2q24.3.
Variant type: single nucleotide variant.
Coding change: c.3415G>A on transcript NM_024753.5 (MANE Select); coding-DNA position 3415, G replaced by A.
Protein change: p.Val1139Ile; replaces valine 1139 with isoleucine.
Molecular consequence: missense variant.
Genome position (GRCh38, 1-based): chr2:165,888,323, C>T on the plus strand (G>A on the coding strand, the complement: TTC21B is on the minus strand). VCF-style: chr2-165888323-C-T. GRCh37 (hg19) VCF-style: chr2-166744833-C-T.
Other names: c.3415G>A (NM_024753.3, NM_024753.4); short protein forms V1139I.
Identifiers: ClinVar variation 1437959 (VCV001437959.11), dbSNP rs201162086, ClinGen allele CA1941517.